The following is an entry in ClinVar:

ClinVar aggregate classification (germline): Uncertain significance. Review status: criteria provided, multiple submitters, no conflicts (2 of 4 stars). 3 submissions from 3 submitters: Uncertain significance (2). 1 of the submissions does not count toward it. Last evaluated 2023-07-21.

Conditions:
CEP78-related disorder. Also called: CEP78-related condition.

Allele frequency attached by ClinVar (database versions not stated): gnomAD 0.00002 and 0.00003; TOPMed 0.00002; ExAC 0.00004; gnomAD exomes 0.00004.

Submissions (3):

Labcorp Genetics (formerly Invitae), Labcorp
Classification: Uncertain significance. Last evaluated: 2023-07-21. Review status: criteria provided, single submitter. Criteria: Invitae Variant Classification Sherloc (09022015). Collection method: clinical testing. Allele origin: germline.
Comment: In summary, the available evidence is currently insufficient to determine the role of this variant in disease. Therefore, it has been classified as a Variant of Uncertain Significance. Advanced modeling of protein sequence and biophysical properties (such as structural, functional, and spatial information, amino acid conservation, physicochemical variation, residue mobility, and thermodynamic stability) performed at Invitae indicates that this missense variant is not expected to disrupt CEP78 protein function. ClinVar contains an entry for this variant (Variation ID: 1007205). This variant has not been reported in the literature in individuals affected with CEP78-related conditions. This variant is present in population databases (rs775163853, gnomAD 0.009%). This sequence change replaces histidine, which is basic and polar, with tyrosine, which is neutral and polar, at codon 195 of the CEP78 protein (p.His195Tyr).

Blueprint Genetics
Classification: Uncertain significance. Last evaluated: 2019-12-29. Review status: criteria provided, single submitter. Criteria: ACMG Guidelines, 2015. Collection method: clinical testing. Allele origin: germline.

PreventionGenetics, part of Exact Sciences
Classification: Uncertain significance for CEP78-related condition. Last evaluated: 2024-09-18. Review status: no assertion criteria provided. Collection method: clinical testing. Allele origin: germline. Not counted in ClinVar's aggregate classification.
Comment: The CEP78 c.583C>T variant is predicted to result in the amino acid substitution p.His195Tyr. To our knowledge, this variant has not been reported in the literature. This variant is reported in 0.0086% of alleles in individuals of European (Non-Finnish) descent in gnomAD. At this time, the clinical significance of this variant is uncertain due to the absence of conclusive functional and genetic evidence.

NM_001330691.3(CEP78):c.583C>T (p.His195Tyr)

Gene: CEP78 (centrosomal protein 78; plus strand). Cytogenetic location: 9q21.2.
Variant type: single nucleotide variant.
Coding change: c.583C>T on transcript NM_001330691.3 (MANE Select); coding-DNA position 583, C replaced by T.
Protein change: p.His195Tyr; replaces histidine 195 with tyrosine.
Molecular consequence: missense variant.
Genome position (GRCh38, 1-based): chr9:78,241,779, C>T. VCF-style: chr9-78241779-C-T. GRCh37 (hg19) VCF-style: chr9-80856695-C-T.
Other names: c.583C>T, p.His195Tyr (NM_001098802.3, NM_001330693.3, NM_001330694.2 and 4 more transcripts); c.583C>T (NM_001098802.1); short protein forms H195Y.
Identifiers: ClinVar variation 1007205 (VCV001007205.6), dbSNP rs775163853, ClinGen allele CA5094963.